The following is an entry in ClinVar:

NM_024408.4(NOTCH2):c.6455A>G (p.Asp2152Gly)

Gene: NOTCH2 (notch receptor 2; minus strand). Cytogenetic location: 1p12.
Variant type: single nucleotide variant.
Coding change: c.6455A>G on transcript NM_024408.4 (MANE Select); coding-DNA position 6455, A replaced by G.
Protein change: p.Asp2152Gly; replaces aspartic acid 2152 with glycine.
Molecular consequence: missense variant.
Genome position (GRCh38, 1-based): chr1:119,916,267, T>C on the plus strand (A>G on the coding strand, the complement: NOTCH2 is on the minus strand). VCF-style: chr1-119916267-T-C. GRCh37 (hg19) VCF-style: chr1-120458890-T-C.
Other names: short protein forms D2152G.
Identifiers: ClinVar variation 2861740 (VCV002861740.3), dbSNP rs2101144060, ClinGen allele CA341877954.
Genomic context (GRCh38, chr1:119,916,267, plus strand): 5'-GATGTAATCATTGGAGAGGATGTGGTGTCGGAAACATACGTGTGAGGAGATTCTAGGGAA[T>C]CAACAGGGGATAAAGTTACTGAACTCTCAGACAGTTGGACCTTCTCACTCAGAGACTTCT-3'
Protein context (NP_077719.2, residues 2142-2162): SESSVTLSPV[Asp2152Gly]SLESPHTYVS

ClinVar aggregate classification (germline): Uncertain significance (1 of 4 stars; one submission).

Conditions:
Hajdu-Cheney syndrome (HJCYS). Also called: SERPENTINE FIBULA-POLYCYSTIC KIDNEY SYNDROME; ACROOSTEOLYSIS WITH OSTEOPOROSIS AND CHANGES IN SKULL AND MANDIBLE; Acroosteolysis dominant type. Identifiers: Orphanet 955, MedGen C0917715, MONDO:0007057, OMIM 102500.

Allele frequency attached by ClinVar (database versions not stated): gnomAD exomes 0.00001.
gnomAD v4.1: 13 of 1,614,154 alleles (0.00081%); highest among the groups gnomAD compares: Non-Finnish European, 0.00093%; no homozygotes.

Submission:

Labcorp Genetics (formerly Invitae), Labcorp
Classification: Uncertain significance for Hajdu-Cheney syndrome. Last evaluated: 2023-05-20. Review status: criteria provided, single submitter. Criteria: Invitae Variant Classification Sherloc (09022015). Collection method: clinical testing. Allele origin: germline.
Comment: This variant has not been reported in the literature in individuals affected with NOTCH2-related conditions. In summary, the available evidence is currently insufficient to determine the role of this variant in disease. Therefore, it has been classified as a Variant of Uncertain Significance. Advanced modeling of protein sequence and biophysical properties (such as structural, functional, and spatial information, amino acid conservation, physicochemical variation, residue mobility, and thermodynamic stability) performed at Invitae indicates that this missense variant is not expected to disrupt NOTCH2 protein function. This variant is not present in population databases (gnomAD no frequency). This sequence change replaces aspartic acid, which is acidic and polar, with glycine, which is neutral and non-polar, at codon 2152 of the NOTCH2 protein (p.Asp2152Gly).